The following is an entry in ClinVar:

ClinVar aggregate classification (germline): Conflicting classifications of pathogenicity. Review status: criteria provided, conflicting classifications (1 of 4 stars). 13 submissions from 13 submitters: Likely pathogenic (1); Uncertain significance (10); Benign (1). 1 of the submissions does not count toward it. Last evaluated 2025-12-13.

Conditions:
Spastic paraplegia. Identifiers: MedGen C0037772, HP:0001258.
Hereditary spastic paraplegia. Also called: Familial spastic paraparesis. Identifiers: Orphanet 685, MedGen C0037773, MONDO:0019064. Disease mechanism: loss of function.
Charlevoix-Saguenay spastic ataxia (SACS). Also called: AUTOSOMAL RECESSIVE SPASTIC ATAXIA OF CHARLEVOIX-SAGUENAY; SPASTIC ATAXIA 6, AUTOSOMAL RECESSIVE; Spastic ataxia of Charlevoix-Saguenay. Identifiers: Orphanet 98, MedGen C1849140, MONDO:0010041, OMIM 270550.

Allele frequency attached by ClinVar (database versions not stated): TOPMed 0.00004; gnomAD exomes 0.00005 and 0.00006; ExAC 0.00007; gnomAD 0.00007 and 0.00008.
gnomAD v4.1: 95 of 1,613,900 alleles (0.0059%); highest among the groups gnomAD compares: Middle Eastern, 0.033%; no homozygotes.

Submissions (13):

Labcorp Genetics (formerly Invitae), Labcorp
Classification: Benign for Spastic paraplegia. Last evaluated: 2025-12-13. Review status: criteria provided, single submitter. Criteria: Invitae Variant Classification Sherloc (09022015). Collection method: clinical testing. Allele origin: germline.

Blueprint Genetics
Classification: Uncertain significance. Last evaluated: 2024-11-15. Review status: criteria provided, single submitter. Criteria: ACMG Guidelines, 2015. Collection method: clinical testing. Allele origin: germline.

Clinical Genetics and Genomics, Karolinska University Hospital
Classification: Uncertain significance. Last evaluated: 2024-01-26. Review status: criteria provided, single submitter. Criteria: ACMG Guidelines, 2015. Collection method: clinical testing. Allele origin: germline. Affected: yes. Observed: 2 variant alleles.

CeGaT Center for Human Genetics Tuebingen
Classification: Uncertain significance. Last evaluated: 2023-10-01. Review status: criteria provided, single submitter. Criteria: CeGaT Center For Human Genetics Tuebingen Variant Classification Criteria Version 2. Collection method: clinical testing. Allele origin: germline. Affected: yes. Observed: 1 variant allele.
Comment: SACS: PM2, PP3

Women's Health and Genetics/Laboratory Corporation of America, LabCorp
Classification: Uncertain significance. Last evaluated: 2023-09-07. Review status: criteria provided, single submitter. Criteria: LabCorp Variant Classification Summary - May 2015. Collection method: clinical testing. Allele origin: germline.
Comment: Variant summary: SACS c.7394C>T (p.Ser2465Leu) results in a non-conservative amino acid change in the encoded protein sequence. Five of five in-silico tools predict a damaging effect of the variant on protein function. The variant allele was found at a frequency of 5.2e-05 in 251002 control chromosomes. This frequency is not significantly higher than estimated for a pathogenic variant in SACS causing Autosomal Recessive Spastic Ataxia Of Charlevoix-Saguenay (5.2e-05 vs 0.0079), allowing no conclusion about variant significance. c.7394C>T has been reported in the literature in at least one compound heterozygous individual affected with Autosomal Recessive Spastic Ataxia Of Charlevoix-Saguenay (e.g., Ricca_2019). However, due to the presence of another SACS variant in cis, this report does not provide unequivocal conclusions about association of the variant with Autosomal Recessive Spastic Ataxia Of Charlevoix-Saguenay. To our knowledge, no experimental evidence demonstrating an impact on protein function has been reported. The following publication has been ascertained in the context of this evaluation (PMID: 30680480). Seven submitters have cited clinical-significance assessments for this variant to ClinVar after 2014; six submitters classified the variant as a variant of uncertain signficance, while one classified it as benign. Based on the evidence outlined above, the variant was classified as uncertain significance.

PROSPAX: an integrated multimodal progression  chart in spastic ataxias, Center for Neurology; Hertie-Institute for Clinical Brain Research
Classification: Uncertain significance for Charlevoix-Saguenay spastic ataxia. Last evaluated: 2022-01-01. Review status: criteria provided, single submitter. Criteria: ACMG Guidelines, 2015. Collection method: research. Allele origin: germline. Affected: yes. Observed: 2 variant alleles, 2 compound heterozygotes.

Genome-Nilou Lab
Classification: Uncertain significance for Charlevoix-Saguenay spastic ataxia. Last evaluated: 2021-09-05. Review status: criteria provided, single submitter. Criteria: ACMG Guidelines, 2015. Collection method: clinical testing. Allele origin: germline. Affected: no.

Genetics and Genomic Medicine Centre, NeuroGen Healthcare, NeuroGen Healthcare
Classification: Likely pathogenic for Charlevoix-Saguenay spastic ataxia. Last evaluated: 2021-01-23. Review status: criteria provided, single submitter. Criteria: Submitter's publication. Collection method: clinical testing. Allele origin: unknown. Affected: no.

GeneDx
Classification: Uncertain significance. Last evaluated: 2020-05-29. Review status: criteria provided, single submitter. Criteria: GeneDx Variant Classification Process June 2021. Collection method: clinical testing. Allele origin: germline. Affected: yes.
Comment: Identified in a patient with a clinical diagnosis of autosomal recessive spastic ataxia of Charlevoix-Saguenay who had another missense variant on the same allele (in cis) as well as a variant on the opposite allele (in trans) (Ricca et al., 2019); In silico analysis supports that this missense variant has a deleterious effect on protein structure/function; This variant is associated with the following publications: (PMID: 30680480)

Baylor Genetics
Classification: Uncertain significance for Charlevoix-Saguenay spastic ataxia. Last evaluated: 2019-12-20. Review status: criteria provided, single submitter. Criteria: ACMG Guidelines, 2015. Collection method: clinical testing. Allele origin: unknown. Affected: yes.
Comment: This variant was determined to be of uncertain significance according to ACMG Guidelines, 2015 [PMID:25741868].

Illumina Laboratory Services, Illumina
Classification: Uncertain significance for Charlevoix-Saguenay spastic ataxia. Last evaluated: 2018-01-13. Review status: criteria provided, single submitter. Criteria: ICSL Variant Classification Criteria 13 December 2019. Collection method: clinical testing. Allele origin: germline.

Genome Diagnostics Laboratory, The Hospital for Sick Children
Classification: Uncertain significance for Hereditary spastic paraplegia. Last evaluated: 2016-12-12. Review status: criteria provided, single submitter. Criteria: ACMG Guidelines, 2015. Collection method: clinical testing. Allele origin: germline. Affected: yes.

Natera, Inc.
Classification: Uncertain significance for Charlevoix-Saguenay type spastic ataxia. Last evaluated: 2020-03-03. Review status: no assertion criteria provided. Collection method: clinical testing. Allele origin: germline. Not counted in ClinVar's aggregate classification.

Literature cited by the submitters: PubMed 30680480 (cited by Women's Health and Genetics/Laboratory Corporation of America, LabCorp).

NM_014363.6(SACS):c.7394C>T (p.Ser2465Leu)

Gene: SACS (sacsin molecular chaperone; minus strand). Cytogenetic location: 13q12.12.
Variant type: single nucleotide variant.
Coding change: c.7394C>T on transcript NM_014363.6 (MANE Select); coding-DNA position 7394, C replaced by T.
Protein change: p.Ser2465Leu; replaces serine 2465 with leucine.
Molecular consequence: missense variant.
Genome position (GRCh38, 1-based): chr13:23,336,482, G>A on the plus strand (C>T on the coding strand, the complement: SACS is on the minus strand). VCF-style: chr13-23336482-G-A. GRCh37 (hg19) VCF-style: chr13-23910621-G-A.
Other names: c.6953C>T, p.Ser2318Leu (NM_001278055.2); short protein forms S2318L, S2465L.
Identifiers: ClinVar variation 884138 (VCV000884138.52), dbSNP rs747676277, ClinGen allele CA6910914.